The following is an entry in ClinVar:

NM_000875.5(IGF1R):c.*2718C>T

Gene: IGF1R (insulin like growth factor 1 receptor; plus strand). Cytogenetic location: 15q26.3.
Variant type: single nucleotide variant.
Coding change: c.*2718C>T on transcript NM_000875.5 (MANE Select); 2718 bases downstream of the stop codon, C replaced by T.
Molecular consequence: 3 prime UTR variant.
Genome position (GRCh38, 1-based): chr15:98,960,160, C>T. VCF-style: chr15-98960160-C-T. GRCh37 (hg19) VCF-style: chr15-99503389-C-T.
Other names: c.*2718C>T (NM_001291858.2).
Identifiers: ClinVar variation 317537 (VCV000317537.5), dbSNP rs533651741, ClinGen allele CA10636806.

ClinVar aggregate classification (germline): Likely benign (1 of 4 stars; one submission).

Conditions:
Growth delay due to insulin-like growth factor I resistance. Also called: Somatomedin end-organ insensitivity to; Somatomedin-c resistance to; IGF-1 resistance; IGF-I RESISTANCE; Insulin-Like Growth Factor I Resistance. Identifiers: Orphanet 73273, MedGen C1849157, MONDO:0010038, OMIM 270450.

Allele frequency attached by ClinVar (database versions not stated): gnomAD 0.00002 and 0.00021; TOPMed 0.00007; gnomAD exomes 0.00009; 1000 Genomes Project 30x 0.00156; 1000 Genomes Project 0.00200.
gnomAD v4.1: 39 of 233,738 alleles (0.017%); highest among the groups gnomAD compares: South Asian, 0.58%; no homozygotes.

Submission:

Illumina Laboratory Services, Illumina
Classification: Likely benign for Growth delay due to insulin-like growth factor I resistance. Last evaluated: 2018-01-13. Review status: criteria provided, single submitter. Criteria: ICSL Variant Classification Criteria 13 December 2019. Collection method: clinical testing. Allele origin: germline.
Comment: This variant was observed in the ICSL laboratory as part of a predisposition screen in an ostensibly healthy population. It had not been previously curated by ICSL or reported in the Human Gene Mutation Database (HGMD: prior to June 1st, 2018), and was therefore a candidate for classification through an automated scoring system. Utilizing variant allele frequency, disease prevalence and penetrance estimates, and inheritance mode, an automated score was calculated to assess if this variant is too frequent to cause the disease. Based on the score and internal cut-off values, a variant classified as likely benign is not then subjected to further curation. The score for this variant resulted in a classification of likely benign for this disease.